The following is an entry in ClinVar:

NM_001267550.2(TTN):c.19992A>G (p.Thr6664=)

Genes: TTN (titin; minus strand), LOC126806429 (BRD4-independent group 4 enhancer GRCh37_chr2:179591393-179592592; plus strand). Cytogenetic location: 2q31.2.
Variant type: single nucleotide variant.
Coding change: c.19992A>G on transcript NM_001267550.2 (MANE Select); coding-DNA position 19992, A replaced by G.
Protein change: p.Thr6664=; no amino-acid change (threonine 6664 retained).
Molecular consequence: synonymous variant. On other transcripts: intron variant (3).
Genome position (GRCh38, 1-based): chr2:178,727,586, T>C on the plus strand (A>G on the coding strand, the complement: TTN is on the minus strand). VCF-style: chr2-178727586-T-C. GRCh37 (hg19) VCF-style: chr2-179592313-T-C.
Other names: c.19041A>G, p.Thr6347= (NM_001256850.1); c.16260A>G, p.Thr5420= (NM_133378.4); c.13282+10496A>G (NM_003319.4); c.13858+10496A>G (NM_133437.4); c.13657+10496A>G (NM_133432.3).
Identifiers: ClinVar variation 570692 (VCV000570692.6), dbSNP rs1560749476, ClinGen allele CA430291450.

ClinVar aggregate classification (germline): Uncertain significance (1 of 4 stars; one submission).

Conditions:
Dilated cardiomyopathy 1G (CMD1G). Identifiers: Orphanet 154, MedGen C1858763, MONDO:0011400, OMIM 604145.
Autosomal recessive limb-girdle muscular dystrophy type 2J (LGMDR10). Also called: Limb-girdle muscular dystrophy, type 2J; MUSCULAR DYSTROPHY, LIMB-GIRDLE, AUTOSOMAL RECESSIVE 10. Identifiers: Orphanet 140922, MedGen C1837342, MONDO:0012127, OMIM 608807.

Allele frequency attached by ClinVar (database versions not stated): gnomAD exomes below 0.00001.
gnomAD v4.1: 4 of 1,560,298 alleles (0.00026%); highest among the groups gnomAD compares: Non-Finnish European, 0.00035%; no homozygotes.

Submission:

Labcorp Genetics (formerly Invitae), Labcorp
Classification: Uncertain significance for Dilated cardiomyopathy 1G; Autosomal recessive limb-girdle muscular dystrophy type 2J. Last evaluated: 2021-07-29. Review status: criteria provided, single submitter. Criteria: Invitae Variant Classification Sherloc (09022015). Collection method: clinical testing. Allele origin: germline.
Comment: This sequence change affects codon 6664 of the TTN mRNA. It is a 'silent' change, meaning that it does not change the encoded amino acid sequence of the TTN protein. It affects a nucleotide within the consensus splice site of the intron. This variant is not present in population databases (ExAC no frequency). This variant has not been reported in the literature in individuals affected with TTN-related conditions. ClinVar contains an entry for this variant (Variation ID: 570692). Algorithms developed to predict the effect of sequence changes on RNA splicing suggest that this variant may disrupt the consensus splice site. This variant is located in the I band of TTN (PMID: 25589632). Variants in this region may be clinically relevant, but have not been definitively shown to cause cardiomyopathy or neuromuscular disease (PMID: 27493940, 32778822). In summary, the available evidence is currently insufficient to determine the role of this variant in disease. Therefore, it has been classified as a Variant of Uncertain Significance.

Literature cited by the submitters: PubMed 25589632; PubMed 27493940; PubMed 32778822.